The following is an entry in ClinVar:

ClinVar aggregate classification (germline): Likely pathogenic (1 of 4 stars; one submission).

Conditions:
Coffin-Siris syndrome 10. Also called: INTELLECTUAL DEVELOPMENTAL DISORDER WITH SPEECH DELAY AND DYSMORPHIC FACIES. Identifiers: MedGen C4760583, MONDO:0032791, OMIM 618506.

Submission:

Department of Clinical Genetics, Aarhus University Hospital
Classification: Likely pathogenic for Coffin-Siris syndrome 10. Last evaluated: 2026-10-01. Review status: criteria provided, single submitter. Criteria: ACMG Guidelines, 2015. Collection method: clinical testing. Allele origin: de novo. Inheritance: Autosomal dominant inheritance. Affected: yes.
Comment: The variant is a missense variant i the proteins HMG domain where most other missense variants have been reported (PMID: 38397148). The variant is not seen in the gnomAD 4.1 database. In silico prediction tools (AlphaMissense, REVEL) state that the variant is pathogenic. According to the ACMG guidelines, this variant is interpreted as likely pathogenic (PS2_moderate, PM1_moderate, PM2_supporting, PP3_strong).

Literature cited by the submitters: PubMed 38397148.

NM_003107.3(SOX4):c.212A>C (p.Gln71Pro)

Gene: SOX4 (SRY-box transcription factor 4; plus strand). Cytogenetic location: 6p22.3.
Variant type: single nucleotide variant.
Coding change: c.212A>C on transcript NM_003107.3 (MANE Select); coding-DNA position 212, A replaced by C.
Protein change: p.Gln71Pro; replaces glutamine 71 with proline.
Molecular consequence: missense variant.
Genome position (GRCh38, 1-based): chr6:21,594,746, A>C. VCF-style: chr6-21594746-A-C. GRCh37 (hg19) VCF-style: chr6-21594977-A-C.
Other names: short protein forms Q71P.
Identifiers: ClinVar variation 5038447 (VCV005038447.1).